The following is an entry in ClinVar:

NM_194248.3(OTOF):c.2168G>A (p.Arg723His)

Gene: OTOF (otoferlin; minus strand). Cytogenetic location: 2p23.3.
Variant type: single nucleotide variant.
Coding change: c.2168G>A on transcript NM_194248.3 (MANE Select); coding-DNA position 2168, G replaced by A.
Protein change: p.Arg723His; replaces arginine 723 with histidine.
Molecular consequence: missense variant.
Genome position (GRCh38, 1-based): chr2:26,479,310, C>T on the plus strand (G>A on the coding strand, the complement: OTOF is on the minus strand). VCF-style: chr2-26479310-C-T. GRCh37 (hg19) VCF-style: chr2-26702178-C-T.
Other names: c.2168G>A, p.Arg723His (NM_001287489.2); short protein forms R723H.
Identifiers: ClinVar variation 229071 (VCV000229071.11), dbSNP rs754009907, ClinGen allele CA1564046.

ClinVar aggregate classification (germline): Uncertain significance. Review status: criteria provided, multiple submitters, no conflicts (2 of 4 stars). 4 submissions from 4 submitters: Uncertain significance (4). Last evaluated 2026-01-15.

Conditions:
OTOF-related disorder. Also called: OTOF-related condition.
Autosomal recessive nonsyndromic hearing loss 9. Also called: AUDITORY NEUROPATHY, AUTOSOMAL RECESSIVE, 1, TEMPERATURE-SENSITIVE; Deafness, autosomal recessive 9; OTOF-Related Hearing Loss; NEUROSENSORY NONSYNDROMIC RECESSIVE DEAFNESS 9. Identifiers: Orphanet 90636, MedGen C1832828, MONDO:0010986, OMIM 601071.

Allele frequency attached by ClinVar (database versions not stated): gnomAD 0.00003; TOPMed 0.00003; gnomAD exomes 0.00006 and 0.00012; ExAC 0.00011.
gnomAD v4.1: 174 of 1,611,898 alleles (0.011%); highest among the groups gnomAD compares: Non-Finnish European, 0.014%; no homozygotes.

Submissions (4):

PreventionGenetics, part of Exact Sciences
Classification: Uncertain significance for OTOF-related condition. Last evaluated: 2026-01-15. Review status: criteria provided, single submitter. Criteria: ACMG Guidelines, 2015. Collection method: clinical testing. Allele origin: germline.
Comment: The OTOF c.2168G>A variant is predicted to result in the amino acid substitution p.Arg723His. To our knowledge, this variant has not been reported in the literature. This variant is reported in 0.011% of alleles in individuals of European (Non-Finnish) descent in gnomAD. At this time, the clinical significance of this variant is uncertain due to the absence of conclusive functional and genetic evidence.

Illumina Laboratory Services, Illumina
Classification: Uncertain significance for Autosomal recessive nonsyndromic hearing loss 9. Last evaluated: 2017-04-27. Review status: criteria provided, single submitter. Criteria: ICSL Variant Classification Criteria 13 December 2019. Collection method: clinical testing. Allele origin: germline.

Laboratory for Molecular Medicine, Mass General Brigham Personalized Medicine
Classification: Uncertain significance. Last evaluated: 2016-06-09. Review status: criteria provided, single submitter. Criteria: LMM Criteria. Collection method: clinical testing. Allele origin: germline. Observed: 2 variant alleles.
Comment: The p.Arg723His variant in OTOF has now been identified by our laboratory in two individuals with hearing loss including one with an alternate explanation of th e hearing loss, but a variant affecting the remaining copy of the gene has not b een identified in either individual. This variant has also been identified in 11 /61596 European chromosomes by the Exome Aggregation Consortium (ExAC; dbSNP rs754009907). Although this variant has been seen i n the general population, its frequency is not high enough to rule out a pathoge nic role. Computational prediction tools and conservation analyses do not provid e strong support for or against an impact to the protein. In summary, the clinic al significance of the p.Arg723His variant is uncertain.

Breakthrough Genomics
Classification: Uncertain significance. Review status: criteria provided, single submitter. Criteria: ACMG Guidelines, 2015. Collection method: not provided. Allele origin: germline. Inheritance: Autosomal recessive inheritance. Affected: yes.